The following is an entry in ClinVar:

NM_001184880.2(PCDH19):c.2344_2351dup (p.Asn784fs)

Genes: PCDH19 (protocadherin 19; minus strand), LOC125467768 (CDK7 strongly-dependent group 2 enhancer GRCh37_chrX:99657381-99658580; plus strand). Cytogenetic location: Xq22.1.
Variant type: Duplication.
Coding change: c.2344_2351dup on transcript NM_001184880.2 (MANE Select); coding-DNA positions 2344 to 2351, 8 bases duplicated (AGTAAGAA; older notation c.2344_2351dupAGTAAGAA).
Protein change: p.Asn784fs; shifts the reading frame from asparagine 784.
Molecular consequence: frameshift variant.
Genome position (GRCh38, 1-based): chrX:100,402,789-100,402,796, TTCTTACT duplicated on the plus strand (AGTAAGAA on the coding strand, the reverse complement: PCDH19 is on the minus strand). VCF-style (leftmost placement, unchanged base first): chrX-100402788-A-ATTCTTACT. GRCh37 (hg19) VCF-style: chrX-99657786-A-ATTCTTACT.
Other names: c.2203_2210dup, p.Asn737fs (NM_001105243.2, NM_020766.3); short protein forms N784fs, N737fs.
Identifiers: ClinVar variation 2008360 (VCV002008360.4), dbSNP rs2520957514, ClinGen allele CA2580100040.

ClinVar aggregate classification (germline): Pathogenic (1 of 4 stars; one submission).

Conditions:
Developmental and epileptic encephalopathy, 9 (DEE9). Also called: Early infantile epileptic encephalopathy 9; JUBERG-HELLMAN SYNDROME; EPILEPSY, FEMALE-RESTRICTED, WITH MENTAL RETARDATION; PCDH19-Related X-Linked Female-Limited Epilepsy with Mental Retardation. Identifiers: Orphanet 101039, Orphanet 2076, MedGen C1848137, MONDO:0010246, OMIM 300088. Disease mechanism: loss of function.

Submission:

Labcorp Genetics (formerly Invitae), Labcorp
Classification: Pathogenic for Developmental and epileptic encephalopathy, 9. Last evaluated: 2022-06-21. Review status: criteria provided, single submitter. Criteria: Invitae Variant Classification Sherloc (09022015). Collection method: clinical testing. Allele origin: germline.
Comment: For these reasons, this variant has been classified as Pathogenic. This variant has not been reported in the literature in individuals affected with PCDH19-related conditions. This variant is not present in population databases (gnomAD no frequency). This sequence change creates a premature translational stop signal (p.Asn784Lysfs*19) in the PCDH19 gene. It is expected to result in an absent or disrupted protein product. Loss-of-function variants in PCDH19 are known to be pathogenic (PMID: 21053371).

Literature cited by the submitters: PubMed 21053371.